The following is an entry in ClinVar:

ClinVar aggregate classification (germline): Uncertain significance (1 of 4 stars; one submission).

Submission:

GeneDx
Classification: Uncertain significance. Last evaluated: 2019-08-22. Review status: criteria provided, single submitter. Criteria: GeneDx Variant Classification Process June 2021. Collection method: clinical testing. Allele origin: germline. Affected: yes.
Comment: Variants in candidate genes are classified as variants of uncertain significance in accordance with ACMG guidelines (Richards et al., 2015); Has not been previously published as pathogenic or benign to our knowledge; Not observed in large population cohorts (Lek et al., 2016); In silico analysis, which includes protein predictors and evolutionary conservation, supports that this variant does not alter protein structure/function

NM_001252102.2(KIF21B):c.941G>A (p.Ser314Asn)

Gene: KIF21B (kinesin family member 21B; minus strand). Cytogenetic location: 1q32.1.
Variant type: single nucleotide variant.
Coding change: c.941G>A on transcript NM_001252102.2 (MANE Select); coding-DNA position 941, G replaced by A.
Protein change: p.Ser314Asn; replaces serine 314 with asparagine.
Molecular consequence: missense variant.
Genome position (GRCh38, 1-based): chr1:201,004,415, C>T on the plus strand (G>A on the coding strand, the complement: KIF21B is on the minus strand). VCF-style: chr1-201004415-C-T. GRCh37 (hg19) VCF-style: chr1-200973543-C-T.
Other names: c.941G>A, p.Ser314Asn (NM_001252100.2, NM_001252103.2, NM_017596.4); short protein forms S314N.
Identifiers: ClinVar variation 1307971 (VCV001307971.2), dbSNP rs368047749, ClinGen allele CA344111087.